The following is an entry in ClinVar:

ClinVar aggregate classification (germline): Uncertain significance (1 of 4 stars; one submission).

Conditions:
Hypertrophic cardiomyopathy 26. Also called: Cardiomyopathy, familial hypertrophic, 26. Identifiers: Orphanet 75249, MedGen C4310749, MONDO:0014883, OMIM 617047.
Myofibrillar myopathy 5. Also called: Filaminopathy (type); FILAMINOPATHY, AUTOSOMAL DOMINANT. Identifiers: Orphanet 171445, MedGen C1836050, MONDO:0012289, OMIM 609524.
Distal myopathy with posterior leg and anterior hand involvement. Also called: WILLIAMS DISTAL MYOPATHY. Identifiers: Orphanet 63273, MedGen C3279722, MONDO:0013550, OMIM 614065.

gnomAD v4.1: 2 of 1,612,686 alleles (0.00012%); highest among the groups gnomAD compares: Non-Finnish European, 0.000085%; no homozygotes.

Submission:

Labcorp Genetics (formerly Invitae), Labcorp
Classification: Uncertain significance for Distal myopathy with posterior leg and anterior hand involvement; Myofibrillar myopathy 5; Hypertrophic cardiomyopathy 26. Last evaluated: 2025-10-03. Review status: criteria provided, single submitter. Criteria: Invitae Variant Classification Sherloc (09022015). Collection method: clinical testing. Allele origin: germline.
Comment: This sequence change affects codon 2214 of the FLNC mRNA. It is a 'silent' change, meaning that it does not change the encoded amino acid sequence of the FLNC protein. This variant is not present in population databases (gnomAD no frequency). This variant has not been reported in the literature in individuals affected with FLNC-related conditions. Algorithms developed to predict the effect of sequence changes on RNA splicing suggest that this variant may create or strengthen a splice site. In summary, the available evidence is currently insufficient to determine the role of this variant in disease. Therefore, it has been classified as a Variant of Uncertain Significance.

NM_001458.5(FLNC):c.6642C>G (p.Gly2214=)

Genes: FLNC-AS1 (FLNC antisense RNA 1; minus strand), FLNC (filamin C; plus strand). Cytogenetic location: 7q32.1.
Variant type: single nucleotide variant.
Coding change: c.6642C>G on transcript NM_001458.5 (MANE Select); coding-DNA position 6642, C replaced by G.
Protein change: p.Gly2214=; no amino-acid change (glycine 2214 retained).
Molecular consequence: synonymous variant.
Genome position (GRCh38, 1-based): chr7:128,854,131, C>G. VCF-style: chr7-128854131-C-G. GRCh37 (hg19) VCF-style: chr7-128494185-C-G.
Other names: c.6543C>G, p.Gly2181= (NM_001127487.2).
Identifiers: ClinVar variation 4812713 (VCV004812713.1).